The following is an entry in ClinVar:

ClinVar aggregate classification (germline): Uncertain significance. Review status: criteria provided, multiple submitters, no conflicts (2 of 4 stars). 3 submissions from 3 submitters: Uncertain significance (3). Last evaluated 2024-03-06.

Conditions:
Hereditary cancer-predisposing syndrome. Also called: Hereditary Cancer Syndrome; Neoplastic Syndromes, Hereditary; Tumor predisposition; Hereditary neoplastic syndrome. Identifiers: Orphanet 140162, MedGen C0027672, MeSH D009386, MONDO:0015356.
Familial adenomatous polyposis 1 (FAP1). Also called: POLYPOSIS, ADENOMATOUS INTESTINAL; FAMILIAL ADENOMATOUS POLYPOSIS 1, ATTENUATED. Identifiers: MedGen C2713442, MONDO:0021056, OMIM 175100. Disease mechanism: loss of function.

Allele frequency attached by ClinVar (database versions not stated): gnomAD exomes below 0.00001.
gnomAD v4.1: 2 of 1,613,704 alleles (0.00012%); highest among the groups gnomAD compares: Non-Finnish European, 0.00017%; no homozygotes.

Submissions (3):

Color Diagnostics, LLC DBA Color Health
Classification: Uncertain significance for Hereditary cancer-predisposing syndrome. Last evaluated: 2024-03-06. Review status: criteria provided, single submitter. Criteria: ACMG Guidelines, 2015. Collection method: clinical testing. Allele origin: germline.
Comment: This missense variant replaces phenylalanine with tyrosine at codon 2620 of the APC protein. Computational prediction tool suggests that this variant may not impact protein structure and function (internally defined REVEL score threshold <= 0.5, PMID: 27666373). Splice site prediction tools suggest that this variant may not impact RNA splicing. To our knowledge, functional studies have not been performed for this variant. This variant has not been reported in individuals affected with hereditary cancer in the literature. This variant has not been identified in the general population by the Genome Aggregation Database (gnomAD). The available evidence is insufficient to determine the role of this variant in disease conclusively. Therefore, this variant is classified as a Variant of Uncertain Significance.

Ambry Genetics
Classification: Uncertain significance for Hereditary cancer-predisposing syndrome. Last evaluated: 2023-10-21. Review status: criteria provided, single submitter. Criteria: Ambry Variant Classification Scheme 2023. Collection method: clinical testing. Allele origin: germline.
Comment: The p.F2620Y variant (also known as c.7859T>A), located in coding exon 15 of the APC gene, results from a T to A substitution at nucleotide position 7859. The phenylalanine at codon 2620 is replaced by tyrosine, an amino acid with highly similar properties. This amino acid position is conserved. In addition, in silico predictors for this gene do not accurately predict pathogenicity. Since supporting evidence is limited at this time, the clinical significance of this alteration remains unclear.

Labcorp Genetics (formerly Invitae), Labcorp
Classification: Uncertain significance for Familial adenomatous polyposis 1. Last evaluated: 2021-11-12. Review status: criteria provided, single submitter. Criteria: Invitae Variant Classification Sherloc (09022015). Collection method: clinical testing. Allele origin: germline.
Comment: This variant is not present in population databases (gnomAD no frequency). In summary, the available evidence is currently insufficient to determine the role of this variant in disease. Therefore, it has been classified as a Variant of Uncertain Significance. Algorithms developed to predict the effect of missense changes on protein structure and function are either unavailable or do not agree on the potential impact of this missense change (SIFT: "Deleterious"; PolyPhen-2: "Benign"; Align-GVGD: "Class C0"). ClinVar contains an entry for this variant (Variation ID: 490366). This variant has not been reported in the literature in individuals affected with APC-related conditions. This sequence change replaces phenylalanine, which is neutral and non-polar, with tyrosine, which is neutral and polar, at codon 2620 of the APC protein (p.Phe2620Tyr).

NM_000038.6(APC):c.7859T>A (p.Phe2620Tyr)

Gene: APC (APC regulator of Wnt signaling pathway; plus strand). Cytogenetic location: 5q22.2.
Variant type: single nucleotide variant.
Coding change: c.7859T>A on transcript NM_000038.6 (MANE Select); coding-DNA position 7859, T replaced by A.
Protein change: p.Phe2620Tyr; replaces phenylalanine 2620 with tyrosine.
Molecular consequence: missense variant.
Genome position (GRCh38, 1-based): chr5:112,843,453, T>A. VCF-style: chr5-112843453-T-A. GRCh37 (hg19) VCF-style: chr5-112179150-T-A.
Other names: c.7859T>A, p.Phe2620Tyr (NM_001127510.3, NM_001354895.2); c.7805T>A, p.Phe2602Tyr (NM_001127511.3); c.7913T>A, p.Phe2638Tyr (NM_001354896.2); c.7889T>A, p.Phe2630Tyr (NM_001354897.2); c.7784T>A, p.Phe2595Tyr (NM_001354898.2); c.7775T>A, p.Phe2592Tyr (NM_001354899.2); c.7736T>A, p.Phe2579Tyr (NM_001354900.2); c.7682T>A, p.Phe2561Tyr (NM_001354901.2); and 5 more; short protein forms F2602Y, F2620Y, F2494Y, F2519Y, F2529Y, F2561Y, F2579Y, F2638Y.
Identifiers: ClinVar variation 490366 (VCV000490366.13), dbSNP rs1554088702, ClinGen allele CA16038409.
Genomic context (GRCh38, chr5:112,843,453, plus strand): 5'-AAAGTAAAGAAAACCAAGTATCCGCAAAAGGAACATGGAGAAAAATAAAAGAAAATGAAT[T>A]TTCTCCCACAAATAGTACTTCTCAGACCGTTTCCTCAGGTGCTACAAATGGTGCTGAATC-3'
Protein context (NP_000029.2, residues 2610-2630): GTWRKIKENE[Phe2620Tyr]SPTNSTSQTV